The following is an entry in ClinVar:

NM_182961.4(SYNE1):c.3691T>C (p.Phe1231Leu)

Gene: SYNE1 (spectrin repeat containing nuclear envelope protein 1; minus strand). Cytogenetic location: 6q25.2.
Variant type: single nucleotide variant.
Coding change: c.3691T>C on transcript NM_182961.4 (MANE Select); coding-DNA position 3691, T replaced by C.
Protein change: p.Phe1231Leu; replaces phenylalanine 1231 with leucine.
Molecular consequence: missense variant.
Genome position (GRCh38, 1-based): chr6:152,444,557, A>G on the plus strand (T>C on the coding strand, the complement: SYNE1 is on the minus strand). VCF-style: chr6-152444557-A-G. GRCh37 (hg19) VCF-style: chr6-152765692-A-G.
Other names: c.3712T>C, p.Phe1238Leu (NM_033071.5); short protein forms F1231L, F1238L.
Identifiers: ClinVar variation 595334 (VCV000595334.9), dbSNP rs146403390, ClinGen allele CA4058764.

ClinVar aggregate classification (germline): Conflicting classifications of pathogenicity. Review status: criteria provided, conflicting classifications (1 of 4 stars). 3 submissions from 2 submitters: Uncertain significance (2); Benign (1). Last evaluated 2018-01-13.

Conditions:
Autosomal recessive ataxia, Beauce type. Also called: SYNE1-Related Autosomal Recessive Cerebellar Ataxia; Spinocerebellar ataxia, autosomal recessive 8; ATAXIA, RECESSIVE, OF BEAUCE; SYNE1 Deficiency. Identifiers: Orphanet 88644, MedGen C1853116, MONDO:0012549, OMIM 610743.
Emery-Dreifuss muscular dystrophy 4, autosomal dominant (EDMD4). Also called: EMERY-DREIFUSS MUSCULAR DYSTROPHY 4 WITH VARIABLE FEATURES. Identifiers: Orphanet 261, MedGen C2751807, MONDO:0013071, OMIM 612998.

Allele frequency attached by ClinVar (database versions not stated): gnomAD exomes below 0.00001 and 0.00002; ExAC 0.00005; gnomAD 0.00007 and 0.00009; TOPMed 0.00011; ESP Exome Variant Server 0.00015.
gnomAD v4.1: 14 of 1,612,730 alleles (0.00087%); highest among the groups gnomAD compares: African/African-American, 0.019%; no homozygotes.

Submissions (3):

Illumina Laboratory Services, Illumina
Classification: Uncertain significance for Autosomal recessive ataxia, Beauce type. Last evaluated: 2018-01-13. Review status: criteria provided, single submitter. Criteria: ICSL Variant Classification Criteria 13 December 2019. Collection method: clinical testing. Allele origin: germline.

Illumina Laboratory Services, Illumina
Classification: Benign for Emery-Dreifuss muscular dystrophy 4, autosomal dominant. Last evaluated: 2018-01-13. Review status: criteria provided, single submitter. Criteria: ICSL Variant Classification Criteria 13 December 2019. Collection method: clinical testing. Allele origin: germline.
Comment: This variant was observed in the ICSL laboratory as part of a predisposition screen in an ostensibly healthy population. It had not been previously curated by ICSL or reported in the Human Gene Mutation Database (HGMD: prior to June 1st, 2018), and was therefore a candidate for classification through an automated scoring system. Utilizing variant allele frequency, disease prevalence and penetrance estimates, and inheritance mode, an automated score was calculated to assess if this variant is too frequent to cause the disease. Based on the score and internal cut-off values, a variant classified as benign is not then subjected to further curation. The score for this variant resulted in a classification of benign for this disease.

Eurofins Ntd Llc (ga)
Classification: Uncertain significance. Last evaluated: 2017-12-26. Review status: criteria provided, single submitter. Criteria: EGL Classification Definitions 2015. Collection method: clinical testing. Allele origin: germline. Observed: 1 variant allele, 1 heterozygote.